The following is an entry in ClinVar:

NM_001267727.2(ARSG):c.338G>A (p.Gly113Asp)

Gene: ARSG (arylsulfatase G; plus strand). Cytogenetic location: 17q24.2.
Variant type: single nucleotide variant.
Coding change: c.338G>A on transcript NM_001267727.2 (MANE Select); coding-DNA position 338, G replaced by A.
Protein change: p.Gly113Asp; replaces glycine 113 with aspartic acid.
Molecular consequence: missense variant.
Genome position (GRCh38, 1-based): chr17:68,343,723, G>A. VCF-style: chr17-68343723-G-A. GRCh37 (hg19) VCF-style: chr17-66339864-G-A.
Other names: c.338G>A, p.Gly113Asp (NM_001352899.2, NM_001352900.2, NM_001352901.2 and 9 more transcripts); short protein forms G113D.
Identifiers: ClinVar variation 992638 (VCV000992638.8), dbSNP rs1244718647, ClinGen allele CA400738472.
Genomic context (GRCh38, chr17:68,343,723, plus strand): 5'-CCGGCCGGCTTGGCCTTCGCAATGGAGTCACACGCAACTTTGCAGTCACTTCTGTGGGAG[G>A]CCTTCCGCTCAACGAGACCACCTTGGCAGAGGTGCTGCAGCAGGCGGGTTACGTCACTGG-3'
Protein context (NP_001254656.1, residues 103-123): TRNFAVTSVG[Gly113Asp]LPLNETTLAE

ClinVar aggregate classification (germline): Conflicting classifications of pathogenicity. Review status: criteria provided, conflicting classifications (1 of 4 stars). 4 submissions from 4 submitters: Pathogenic (1); Uncertain significance (1). 2 of the submissions do not count toward it. Last evaluated 2023-08-28.

Conditions:
Usher syndrome, type 4. Also called: USHER SYNDROME, TYPE IV. Identifiers: MedGen C4748364, MONDO:0029141, OMIM 618144.

Allele frequency attached by ClinVar (database versions not stated): gnomAD exomes below 0.00001; TOPMed below 0.00001; gnomAD 0.00001.
gnomAD v4.1: 5 of 1,614,032 alleles (0.00031%); highest among the groups gnomAD compares: Admixed American, 0.0017%; no homozygotes.

Submissions (4):

Labcorp Genetics (formerly Invitae), Labcorp
Classification: Pathogenic. Last evaluated: 2023-08-28. Review status: criteria provided, single submitter. Criteria: Invitae Variant Classification Sherloc (09022015). Collection method: clinical testing. Allele origin: germline.
Comment: This sequence change replaces glycine, which is neutral and non-polar, with aspartic acid, which is acidic and polar, at codon 113 of the ARSG protein (p.Gly113Asp). For these reasons, this variant has been classified as Pathogenic. This variant disrupts the p.Gly113 amino acid residue in ARSG. Other variant(s) that disrupt this residue have been observed in individuals with ARSG-related conditions (PMID: 33300174, 34223797), which suggests that this may be a clinically significant amino acid residue. Advanced modeling of protein sequence and biophysical properties (such as structural, functional, and spatial information, amino acid conservation, physicochemical variation, residue mobility, and thermodynamic stability) performed at Invitae indicates that this missense variant is expected to disrupt ARSG protein function. ClinVar contains an entry for this variant (Variation ID: 992638). This missense change has been observed in individual(s) with Usher syndrome (PMID: 33300174). In at least one individual the data is consistent with being in trans (on the opposite chromosome) from a pathogenic variant. This variant is present in population databases (no rsID available, gnomAD 0.0009%).

Blueprint Genetics
Classification: Uncertain significance. Last evaluated: 2021-06-23. Review status: criteria provided, single submitter. Criteria: ACMG Guidelines, 2015. Collection method: clinical testing. Allele origin: germline.

OMIM
Classification: Pathogenic for USHER SYNDROME, TYPE IV. Last evaluated: 2023-01-21. Review status: no assertion criteria provided. Collection method: literature only. Allele origin: germline. Not counted in ClinVar's aggregate classification.

Division of Genetic Medicine, Lausanne University Hospital
Classification: Pathogenic for Usher syndrome, type 4. Last evaluated: 2020-12-23. Review status: no assertion criteria provided. Collection method: clinical testing. Allele origin: unknown. Inheritance: Autosomal recessive inheritance. Affected: yes. Observed: 1 compound heterozygote. Not counted in ClinVar's aggregate classification.

Literature cited by the submitters: PubMed 33300174 (cited by Labcorp Genetics (formerly Invitae), Labcorp and Division of Genetic Medicine, Lausanne University Hospital); PubMed 34223797 (cited by Labcorp Genetics (formerly Invitae), Labcorp); PubMed 36317447 (cited by OMIM).